The following is an entry in ClinVar:

ClinVar aggregate classification (germline): Uncertain significance (0 of 4 stars; one submission).

Conditions:
Breast ductal adenocarcinoma. Also called: Ductal breast carcinoma; Breast cancer, invasive ductal. Identifiers: MedGen C1527349, MONDO:0005590.

Submission:

Next Generation Diagnostics, Novartis Institutes for BioMedical Research, Inc.
Classification: Uncertain significance for Breast ductal adenocarcinoma. Last evaluated: 2015-07-20. Review status: no assertion criteria provided. Collection method: research. Allele origin: somatic. Affected: yes.
Comment: Loss of heterozygosity

chr21:45970718..47545826 complex variant

Genes: ADARB1 (adenosine deaminase RNA specific B1; plus strand), COL18A1 (collagen type XVIII alpha 1 chain; plus strand), COL6A1 (collagen type VI alpha 1 chain; plus strand), COL6A2 (collagen type VI alpha 2 chain; plus strand), ITGB2 (integrin subunit beta 2; minus strand) and 26 more. Cytogenetic location: 21q22.3.
Variant type: Complex.
Identifiers: ClinVar variation 221356 (VCV000221356.2).